The following is an entry in ClinVar:

ClinVar aggregate classification (germline): Benign. Review status: reviewed by expert panel (3 of 4 stars). 6 submissions from 6 submitters: Benign (1). 5 of the submissions do not count toward it. Last evaluated 2017-04-18.

Conditions:
Malignant tumor of urinary bladder. Also called: Bladder cancer; Urinary Bladder Neoplasms; Urinary bladder cancer. Identifiers: MedGen C0005684, MONDO:0001187, OMIM 109800.
Costello syndrome (CSTLO). Also called: FACIOCUTANEOSKELETAL SYNDROME; HRAS-Related Costello Syndrome; FCS SYNDROME. Identifiers: Orphanet 3071, MedGen C0587248, MONDO:0009026, OMIM 218040.
Large congenital melanocytic nevus (CMNS). Also called: MELANOCYTIC NEVUS SYNDROME, CONGENITAL, SOMATIC; Giant congenital nevus; PIGMENTED MOLES; Congenital giant melanocytic nevus; Giant hairy nevus; Bathing trunk nevus. Identifiers: Orphanet 626, MedGen C1842036, MONDO:0044792, OMIM 137550, HP:0005600.
Linear nevus sebaceous syndrome. Also called: JADASSOHN NEVUS PHAKOMATOSIS; NEVUS SEBACEUS OF JADASSOHN; ORGANOID NEVUS PHAKOMATOSIS; SFM SYNDROME; SCHIMMELPENNING-FEUERSTEIN-MIMS SYNDROME, SOMATIC MOSAIC; Sebaceous nevus syndrome and hemimegalencephaly. Identifiers: Orphanet 2612, MedGen C4552097, MONDO:0008097, OMIM 163200, HP:0010817.
Epidermal nevus. Also called: NEVUS, KERATINOCYTIC, NONEPIDERMOLYTIC; Nevus, epidermal, somatic. Identifiers: Orphanet 79414, MedGen C0334082, MONDO:0008093, OMIM 162900, HP:0010816.
Thyroid cancer, nonmedullary, 2 (NMTC2). Also called: Thyroid carcinoma, follicular, somatic; THYROID CARCINOMA, FOLLICULAR; THYROID CANCER, NONMEDULLARY, 2, SUSCEPTIBILITY TO. Identifiers: MedGen C4225426, MONDO:0008566, OMIM 188470.
Hereditary cancer-predisposing syndrome. Also called: Neoplastic Syndromes, Hereditary; Tumor predisposition; Hereditary neoplastic syndrome; Hereditary Cancer Syndrome. Identifiers: Orphanet 140162, MedGen C0027672, MeSH D009386, MONDO:0015356.
RASopathy. Also called: Noonan spectrum disorder; rasopathies. Identifiers: Orphanet 536391, MedGen C5555857, MONDO:0021060.
HRAS-related disorder. Also called: HRAS-related condition.

Allele frequency attached by ClinVar (database versions not stated): TOPMed 0.00001; gnomAD 0.00003 and below 0.00001; gnomAD exomes 0.00006 and 0.00012; ExAC 0.00012.
gnomAD v4.1: 91 of 1,613,488 alleles (0.0056%); highest among the groups gnomAD compares: South Asian, 0.096%; no homozygotes.

Submissions (6):

ClinGen RASopathy Variant Curation Expert Panel
Classification: Benign for Noonan syndrome and Noonan-related syndrome. Last evaluated: 2017-04-18. Review status: reviewed by expert panel. Criteria: ClinGen RASopathy ACMG Specifications v1. Collection method: curation. Allele origin: germline. Inheritance: Autosomal dominant inheritance.
Comment: The filtering allele frequency of the c.291-6T>G variant in the HRAS gene is 0.051% (14/16510) of South Asian chromosomes by the Exome Aggregation Consortium, which is a high enough frequency to be classified as benign based on thresholds defined by the ClinGen RASopathy Expert Panel (BA1; PMID:29493581)

Labcorp Genetics (formerly Invitae), Labcorp
Classification: Likely benign for Costello syndrome. Last evaluated: 2025-08-07. Review status: criteria provided, single submitter. Criteria: Invitae Variant Classification Sherloc (09022015). Collection method: clinical testing. Allele origin: germline. Not counted in ClinVar's aggregate classification.

Fulgent Genetics
Classification: Likely benign for Malignant tumor of urinary bladder; Large congenital melanocytic nevus; Epidermal nevus; Linear nevus sebaceous syndrome; Thyroid cancer, nonmedullary, 2; Costello syndrome. Last evaluated: 2021-10-21. Review status: criteria provided, single submitter. Criteria: ACMG Guidelines, 2015. Collection method: clinical testing. Allele origin: unknown. Not counted in ClinVar's aggregate classification.

Sema4
Classification: Likely benign for Hereditary cancer-predisposing syndrome. Last evaluated: 2020-12-21. Review status: criteria provided, single submitter. Criteria: Sema4 Curation Guidelines. Collection method: curation. Allele origin: germline. Not counted in ClinVar's aggregate classification.

Women's Health and Genetics/Laboratory Corporation of America, LabCorp
Classification: Benign. Last evaluated: 2020-08-10. Review status: criteria provided, single submitter. Criteria: LabCorp Variant Classification Summary - May 2015. Collection method: clinical testing. Allele origin: germline. Not counted in ClinVar's aggregate classification.
Comment: Variant summary: HRAS c.291-6T>G alters a non-conserved nucleotide located close to a canonical splice site and therefore could affect mRNA splicing, leading to a significantly altered protein sequence. 4/4 computational tools predict no significant impact on normal splicing. However, these predictions have yet to be confirmed by functional studies. The variant allele was found at a frequency of 0.00012 in 251312 control chromosomes, predominantly at a frequency of 0.00098 within the South Asian subpopulation in the gnomAD database. The observed variant frequency within South Asian control individuals in the gnomAD database is approximately 196 fold of the estimated maximal expected allele frequency for a pathogenic variant in HRAS causing Costello Syndrome phenotype (5e-06), strongly suggesting that the variant is a benign polymorphism found primarily in populations of South Asian origin. To our knowledge, no occurrence of c.291-6T>G in individuals affected with Costello Syndrome and no experimental evidence demonstrating its impact on protein function have been reported. Two ClinVar submitters (evaluation after 2014) cite the variant as benign (ClinGen RASopathy Variant Curation Expert Panel) and likely benign. Based on the evidence outlined above, the variant was classified as benign.

PreventionGenetics, part of Exact Sciences
Classification: Likely benign for HRAS-related condition. Last evaluated: 2023-09-28. Review status: no assertion criteria provided. Collection method: clinical testing. Allele origin: germline. Not counted in ClinVar's aggregate classification.
Comment: This variant is classified as likely benign based on ACMG/AMP sequence variant interpretation guidelines (Richards et al. 2015 PMID: 25741868, with internal and published modifications).

NM_005343.4(HRAS):c.291-6T>G

Genes: LRRC56 (leucine rich repeat containing 56; plus strand), HRAS (HRas proto-oncogene, GTPase; minus strand). Cytogenetic location: 11p15.5.
Variant type: single nucleotide variant.
Coding change: c.291-6T>G on transcript NM_005343.4 (MANE Select); 6 bases into the intron before coding-DNA position 291, T replaced by G.
Molecular consequence: intron variant.
Genome position (GRCh38, 1-based): chr11:533,618, A>C on the plus strand (T>G on the coding strand, the complement: HRAS is on the minus strand). VCF-style: chr11-533618-A-C. GRCh37 (hg19) VCF-style: chr11-533618-A-C.
Other names: NM_005343.3(HRAS):c.291-6T>G; c.291-6T>G (NM_001130442.3, NM_176795.5); c.-29-6T>G (NM_001318054.2).
Identifiers: ClinVar variation 448926 (VCV000448926.18), dbSNP rs766909143, ClinGen allele CA5779338.